The following is an entry in ClinVar:

ClinVar aggregate classification (germline): Conflicting classifications of pathogenicity. Review status: criteria provided, conflicting classifications (1 of 4 stars). 12 submissions from 11 submitters: Uncertain significance (10); Likely benign (2). Last evaluated 2026-02-12.

Conditions:
Mitochondrial trifunctional protein deficiency 1 (MTPD1). Identifiers: MedGen CN376812, MONDO:0958181, OMIM 609015.
HADHA-related disorder. Also called: HADHA-related disorders; HADHA-related condition.
Mitochondrial trifunctional protein deficiency. Identifiers: Orphanet 746, MedGen C1969443, MONDO:0012172.
Long chain 3-hydroxyacyl-CoA dehydrogenase deficiency. Also called: Deficiency of long-chain 3-hydroxyacyl-coenzyme A dehydrogenase; LCHAD Deficiency. Identifiers: Orphanet 5, MedGen C3711645, MONDO:0012173, OMIM 609016.

Allele frequency attached by ClinVar (database versions not stated): ESP Exome Variant Server 0.00031; gnomAD 0.00050 and 0.00054; 1000 Genomes Project 0.00060; TOPMed 0.00060; gnomAD exomes 0.00085; ExAC 0.00086; 1000 Genomes Project 30x 0.00094.
gnomAD v4.1: 954 of 1,610,922 alleles (0.059%); highest among the groups gnomAD compares: South Asian, 0.23%; 1 homozygote.

Submissions (12):

PreventionGenetics, part of Exact Sciences
Classification: Likely benign for HADHA-related condition. Last evaluated: 2026-02-12. Review status: criteria provided, single submitter. Criteria: ACMG Guidelines, 2015. Collection method: clinical testing. Allele origin: germline.
Comment: This variant is classified as likely benign based on ACMG/AMP sequence variant interpretation guidelines (Richards et al. 2015 PMID: 25741868, with internal and published modifications).

Labcorp Genetics (formerly Invitae), Labcorp
Classification: Likely benign for Mitochondrial trifunctional protein deficiency; Long chain 3-hydroxyacyl-CoA dehydrogenase deficiency. Last evaluated: 2026-02-04. Review status: criteria provided, single submitter. Criteria: Invitae Variant Classification Sherloc (09022015). Collection method: clinical testing. Allele origin: germline.

Mayo Clinic Laboratories, Mayo Clinic
Classification: Uncertain significance. Last evaluated: 2025-07-21. Review status: criteria provided, single submitter. Criteria: ACMG Guidelines, 2015. Collection method: clinical testing. Allele origin: germline. Observed: 4 variant alleles.
Comment: BS1, PP3

CeGaT Center for Human Genetics Tuebingen
Classification: Uncertain significance. Last evaluated: 2024-07-01. Review status: criteria provided, single submitter. Criteria: CeGaT Center For Human Genetics Tuebingen Variant Classification Criteria Version 2. Collection method: clinical testing. Allele origin: germline. Affected: yes. Observed: 2 variant alleles.

Genomic Medicine Center of Excellence, King Faisal Specialist Hospital and Research Centre
Classification: Uncertain significance for Mitochondrial trifunctional protein deficiency 1. Last evaluated: 2024-04-04. Review status: criteria provided, single submitter. Criteria: ACMG Guidelines, 2015. Collection method: clinical testing. Allele origin: germline.

Revvity Omics, Revvity
Classification: Uncertain significance. Last evaluated: 2022-05-30. Review status: criteria provided, single submitter. Criteria: ACMG Guidelines, 2015. Collection method: clinical testing. Allele origin: germline.

Genome-Nilou Lab
Classification: Uncertain significance for Long chain 3-hydroxyacyl-CoA dehydrogenase deficiency. Last evaluated: 2021-05-18. Review status: criteria provided, single submitter. Criteria: ACMG Guidelines, 2015. Collection method: clinical testing. Allele origin: germline. Affected: no.

Pars Genome Lab
Classification: Uncertain significance for Long chain 3-hydroxyacyl-CoA dehydrogenase deficiency. Last evaluated: 2021-05-18. Review status: criteria provided, single submitter. Criteria: ACMG Guidelines, 2015. Collection method: clinical testing. Allele origin: germline. Affected: no.

GeneDx
Classification: Uncertain significance. Last evaluated: 2021-04-20. Review status: criteria provided, single submitter. Criteria: GeneDx Variant Classification Process June 2021. Collection method: clinical testing. Allele origin: germline. Affected: yes.
Comment: In silico analysis supports that this missense variant has a deleterious effect on protein structure/function; Reported with a high frequency of heterozygous individuals in the Silesian region of Poland in published literature (Nedoszytko et al., 2017); This variant is associated with the following publications: (PMID: 29095929)

Fulgent Genetics
Classification: Uncertain significance for Mitochondrial trifunctional protein deficiency 1; Long chain 3-hydroxyacyl-CoA dehydrogenase deficiency. Last evaluated: 2018-10-31. Review status: criteria provided, single submitter. Criteria: ACMG Guidelines, 2015. Collection method: clinical testing. Allele origin: unknown.

Illumina Laboratory Services, Illumina
Classification: Uncertain significance for Long chain 3-hydroxyacyl-CoA dehydrogenase deficiency. Last evaluated: 2018-01-13. Review status: criteria provided, single submitter. Criteria: ICSL Variant Classification Criteria 13 December 2019. Collection method: clinical testing. Allele origin: germline.

Illumina Laboratory Services, Illumina
Classification: Uncertain significance for Mitochondrial trifunctional protein deficiency 1. Last evaluated: 2018-01-13. Review status: criteria provided, single submitter. Criteria: ICSL Variant Classification Criteria 13 December 2019. Collection method: clinical testing. Allele origin: germline.

Literature cited by the submitters: PubMed 29095929 (cited by Mayo Clinic Laboratories, Mayo Clinic); PubMed 35460704 (cited by Mayo Clinic Laboratories, Mayo Clinic).

NM_000182.5(HADHA):c.652G>C (p.Val218Leu)

Gene: HADHA (hydroxyacyl-CoA dehydrogenase trifunctional multienzyme complex subunit alpha; minus strand). Cytogenetic location: 2p23.3.
Variant type: single nucleotide variant.
Coding change: c.652G>C on transcript NM_000182.5 (MANE Select); coding-DNA position 652, G replaced by C.
Protein change: p.Val218Leu; replaces valine 218 with leucine.
Molecular consequence: missense variant.
Genome position (GRCh38, 1-based): chr2:26,230,216, C>G on the plus strand (G>C on the coding strand, the complement: HADHA is on the minus strand). VCF-style: chr2-26230216-C-G. GRCh37 (hg19) VCF-style: chr2-26453084-C-G.
Other names: p.Val218Leu; short protein forms V218L.
Identifiers: ClinVar variation 570809 (VCV000570809.75), dbSNP rs71441018, ClinGen allele CA1559829.
Genomic context (GRCh38, chr2:26,230,216, plus strand): 5'-TTATAAGGTCTGACTCTGAGATGTGCTAACACTTACCCAGGGGTTCCACCAGTTGGTCAA[C>G]CAGTCCCATTTTCTTTGCCCTGTCTGCACGAATGCTTCTACCAGTCAGCATCATGTCCAA-3'
Protein context (NP_000173.2, residues 208-228): RADRAKKMGL[Val218Leu]DQLVEPLGPG